The following is an entry in ClinVar:

NM_001267550.2(TTN):c.106954C>T (p.Arg35652Ter)

Genes: TTN (titin; minus strand), TTN-AS1 (TTN antisense RNA 1; plus strand). Cytogenetic location: 2q31.2.
Variant type: single nucleotide variant.
Coding change: c.106954C>T on transcript NM_001267550.2 (MANE Select); coding-DNA position 106954, C replaced by T.
Protein change: p.Arg35652Ter; replaces arginine 35652 with a stop codon.
Molecular consequence: nonsense.
Genome position (GRCh38, 1-based): chr2:178,528,797, G>A on the plus strand (C>T on the coding strand, the complement: TTN is on the minus strand). VCF-style: chr2-178528797-G-A. GRCh37 (hg19) VCF-style: chr2-179393524-G-A.
Other names: c.106954C>T (NM_001267550.1); c.102031C>T, p.Arg34011Ter (NM_001256850.1); c.79759C>T, p.Arg26587Ter (NM_003319.4); c.99250C>T, p.Arg33084Ter (NM_133378.4); c.80134C>T, p.Arg26712Ter (NM_133432.3); c.80335C>T, p.Arg26779Ter (NM_133437.4); short protein forms R33084*, R35652*, R26587*, R26712*, R26779*, R34011*.
Identifiers: ClinVar variation 242530 (VCV000242530.22), dbSNP rs565675340, ClinGen allele CA351280.

ClinVar aggregate classification (germline): Pathogenic/Likely pathogenic. Review status: criteria provided, multiple submitters, no conflicts (2 of 4 stars). 6 submissions from 6 submitters: Pathogenic (4); Likely pathogenic (2). Last evaluated 2026-01-01.

Conditions:
Early-onset myopathy with fatal cardiomyopathy (CMYO5). Also called: CONGENITAL MYOPATHY 5 WITH CARDIOMYOPATHY; Salih Myopathy. Identifiers: Orphanet 289377, MedGen C2673677, MONDO:0012714, OMIM 611705. Disease mechanism: loss of function.
Autosomal recessive limb-girdle muscular dystrophy type 2J (LGMDR10). Also called: MUSCULAR DYSTROPHY, LIMB-GIRDLE, AUTOSOMAL RECESSIVE 10; Limb-girdle muscular dystrophy, type 2J. Identifiers: Orphanet 140922, MedGen C1837342, MONDO:0012127, OMIM 608807.
Dilated cardiomyopathy 1G (CMD1G). Identifiers: Orphanet 154, MedGen C1858763, MONDO:0011400, OMIM 604145.

Allele frequency attached by ClinVar (database versions not stated): TOPMed below 0.00001; gnomAD 0.00001 and 0.00002; ExAC 0.00002; 1000 Genomes Project 0.00020; 1000 Genomes Project 30x 0.00031.
gnomAD v4.1: 8 of 1,613,146 alleles (0.0005%); highest among the groups gnomAD compares: South Asian, 0.0022%; no homozygotes.

Submissions (6):

CeGaT Center for Human Genetics Tuebingen
Classification: Likely pathogenic. Last evaluated: 2026-01-01. Review status: criteria provided, single submitter. Criteria: CeGaT Center For Human Genetics Tuebingen Variant Classification Criteria Version 2. Collection method: clinical testing. Allele origin: germline. Affected: yes. Observed: 1 variant allele.
Comment: TTN: PVS1:Strong, PM2, PS4:Supporting

GeneDx
Classification: Pathogenic. Last evaluated: 2025-09-09. Review status: criteria provided, single submitter. Criteria: GeneDx Variant Classification Process June 2021. Collection method: clinical testing. Allele origin: germline.
Comment: Nonsense variant predicted to result in protein truncation or nonsense mediated decay in a gene for which loss of function is a known mechanism of disease; Reported in an individual with dilated cardiomyopathy (DCM) (PMID: 36264615); Not observed at significant frequency in large population cohorts (gnomAD); Located in the M-band, a region of TTN for which truncating variants are significantly associated with autosomal recessive skeletal myopathies and also with autosomal dominant cardiomyopathy (PMID: 17444505, 32778822, 36637017); This variant is associated with the following publications: (PMID: 31691645, 38438525, 17444505, 32778822, 36637017, 36264615, 25326637)

Labcorp Genetics (formerly Invitae), Labcorp
Classification: Pathogenic for Dilated cardiomyopathy 1G; Autosomal recessive limb-girdle muscular dystrophy type 2J. Last evaluated: 2024-08-07. Review status: criteria provided, single submitter. Criteria: Invitae Variant Classification Sherloc (09022015). Collection method: clinical testing. Allele origin: germline.
Comment: This sequence change creates a premature translational stop signal (p.Arg35652*) in the TTN gene. While this is not anticipated to result in nonsense mediated decay, it is expected to create a truncated TTN protein. This variant is present in population databases (rs565675340, gnomAD 0.003%). This premature translational stop signal has been observed in individual(s) with clinical features of autosomal recessive TTN-related conditions and dilated cardiomyopathy (PMID: 25326637, 27625338, 36264615). In at least one individual the data is consistent with being in trans (on the opposite chromosome) from a pathogenic variant. This variant is also known as p.Arg33084*. ClinVar contains an entry for this variant (Variation ID: 242530). This variant is located in the M band of TTN (PMID: 25589632). Truncating variants in this region have been previously reported in individuals affected with autosomal recessive myopathy and muscular dystrophy (PMID: 18948003, 23975875, 24395473). Truncating variants in this region have also been identified in individuals affected with autosomal dominant dilated cardiomyopathy and/or cardio-related conditions (PMID: 27869827, 32964742, Invitae internal data). For these reasons, this variant has been classified as Pathogenic.

Kariminejad - Najmabadi Pathology & Genetics Center
Classification: Pathogenic for Early-onset myopathy with fatal cardiomyopathy; Autosomal recessive limb-girdle muscular dystrophy type 2J. Last evaluated: 2024-07-18. Review status: criteria provided, single submitter. Criteria: ACMG Guidelines, 2015. Collection method: clinical testing. Allele origin: germline. Inheritance: Autosomal recessive inheritance. Affected: yes.
Comment: PVS1, PM2, PP5

Revvity Omics, Revvity
Classification: Likely pathogenic. Last evaluated: 2020-04-07. Review status: criteria provided, single submitter. Criteria: ACMG Guidelines, 2015. Collection method: clinical testing. Allele origin: germline.

Juno Genomics, Hangzhou Juno Genomics, Inc
Classification: Pathogenic for Dilated cardiomyopathy 1G. Review status: criteria provided, single submitter. Criteria: ACMG Guidelines, 2015. Collection method: clinical testing. Allele origin: germline.
Comment: Absent from controls (or at extremely low frequency if recessive) in Genome Aggregation Database.;Null variant in a gene where loss of function (LOF) is a known mechanism of disease.;For recessive disorders, detected in trans with a pathogenic variant.

Literature cited by the submitters: PubMed 25326637 (cited by Labcorp Genetics (formerly Invitae), Labcorp); PubMed 27625338 (cited by Labcorp Genetics (formerly Invitae), Labcorp); PubMed 36264615 (cited by Labcorp Genetics (formerly Invitae), Labcorp); PubMed 25589632 (cited by Labcorp Genetics (formerly Invitae), Labcorp); PubMed 18948003 (cited by Labcorp Genetics (formerly Invitae), Labcorp); PubMed 23975875 (cited by Labcorp Genetics (formerly Invitae), Labcorp); PubMed 24395473 (cited by Labcorp Genetics (formerly Invitae), Labcorp); PubMed 27869827 (cited by Labcorp Genetics (formerly Invitae), Labcorp); PubMed 32964742 (cited by Labcorp Genetics (formerly Invitae), Labcorp).